The following is an entry in ClinVar:

ClinVar aggregate classification (germline): Pathogenic (1 of 4 stars; one submission).

Conditions:
Symmetrical dyschromatosis of extremities (DSH). Also called: Dyschromatosis symmetrica hereditaria; DYSCHROMATOSIS SYMMETRICA HEREDITARIA 1; RETICULATE ACROPIGMENTATION OF DOHI; SYMMETRIC DYSCHROMATOSIS OF THE EXTREMITIES. Identifiers: Orphanet 41, MedGen C0406775, MONDO:0007483, OMIM 127400.
Aicardi-Goutieres syndrome 6 (AGS6). Identifiers: Orphanet 51, MedGen C3539013, MONDO:0014007, OMIM 615010.

Submission:

Labcorp Genetics (formerly Invitae), Labcorp
Classification: Pathogenic for Aicardi-Goutieres syndrome 6; Symmetrical dyschromatosis of extremities. Last evaluated: 2023-12-19. Review status: criteria provided, single submitter. Criteria: Invitae Variant Classification Sherloc (09022015). Collection method: clinical testing. Allele origin: germline.
Comment: This sequence change creates a premature translational stop signal (p.Asn857Lysfs*22) in the ADAR gene. It is expected to result in an absent or disrupted protein product. Loss-of-function variants in ADAR are known to be pathogenic (PMID: 22974014). This variant is not present in population databases (gnomAD no frequency). This variant has not been reported in the literature in individuals affected with ADAR-related conditions. For these reasons, this variant has been classified as Pathogenic.

Literature cited by the submitters: PubMed 22974014.

NM_001111.5(ADAR):c.2571_2572del (p.Asn857fs)

Genes: ADAR (adenosine deaminase RNA specific; minus strand), LOC126805874 (CDK7 strongly-dependent group 2 enhancer GRCh37_chr1:154561176-154562375; plus strand). Cytogenetic location: 1q21.3.
Variant type: Deletion.
Coding change: c.2571_2572del on transcript NM_001111.5 (MANE Select); coding-DNA positions 2571 to 2572, 2 bases deleted (CA; older notation c.2571_2572delCA).
Protein change: p.Asn857fs; shifts the reading frame from asparagine 857.
Molecular consequence: frameshift variant.
Genome position (GRCh38, 1-based): chr1:154,589,853-154,589,854, TG deleted on the plus strand (CA on the coding strand, the reverse complement: ADAR is on the minus strand); deleting any 2 consecutive bases within chr1:154,589,853-154,589,855 gives the same sequence; the c. name uses the placement nearest the transcript's 3' end. VCF-style (leftmost placement, unchanged base first): chr1-154589852-CTG-C. GRCh37 (hg19) VCF-style: chr1-154562328-CTG-C.
Other names: c.1686_1687del, p.Asn562fs (NM_001025107.3, NM_001193495.2, NM_001365046.1 and 2 more transcripts); c.2598_2599del, p.Asn866fs (NM_001365045.1); c.1608_1609del, p.Asn536fs (NM_001365049.1); c.2493_2494del, p.Asn831fs (NM_015840.4); c.2436_2437del, p.Asn812fs (NM_015841.4); short protein forms N831fs, N857fs, N536fs, N562fs, N812fs, N866fs.
Identifiers: ClinVar variation 2921541 (VCV002921541.3), dbSNP rs2526514177, ClinGen allele CA2740090388.